The following is an entry in ClinVar:

ClinVar aggregate classification (germline): Uncertain significance (1 of 4 stars; one submission).

Conditions:
Breast-ovarian cancer, familial, susceptibility to, 4. Identifiers: Orphanet 145, MedGen C3280345, MONDO:0013669, OMIM 614291.

Submission:

Labcorp Genetics (formerly Invitae), Labcorp
Classification: Uncertain significance for Breast-ovarian cancer, familial, susceptibility to, 4. Last evaluated: 2024-09-02. Review status: criteria provided, single submitter. Criteria: Invitae Variant Classification Sherloc (09022015). Collection method: clinical testing. Allele origin: germline.
Comment: This sequence change replaces threonine, which is neutral and polar, with serine, which is neutral and polar, at codon 13 of the RAD51D protein (p.Thr13Ser). This variant is not present in population databases (gnomAD no frequency). This variant has not been reported in the literature in individuals affected with RAD51D-related conditions. ClinVar contains an entry for this variant (Variation ID: 944880). An algorithm developed to predict the effect of missense changes on protein structure and function (PolyPhen-2) suggests that this variant is likely to be tolerated. In summary, the available evidence is currently insufficient to determine the role of this variant in disease. Therefore, it has been classified as a Variant of Uncertain Significance.

NM_002878.4(RAD51D):c.38C>G (p.Thr13Ser)

Genes: RAD51D (RAD51 paralog D; minus strand), RAD51L3-RFFL (RAD51L3-RFFL readthrough; minus strand). Cytogenetic location: 17q12.
Variant type: single nucleotide variant.
Coding change: c.38C>G on transcript NM_002878.4 (MANE Select); coding-DNA position 38, C replaced by G.
Protein change: p.Thr13Ser; replaces threonine 13 with serine.
Molecular consequence: missense variant. On other transcripts: non-coding transcript variant (2).
Genome position (GRCh38, 1-based): chr17:35,119,576, G>C on the plus strand (C>G on the coding strand, the complement: RAD51D is on the minus strand). VCF-style: chr17-35119576-G-C. GRCh37 (hg19) VCF-style: chr17-33446595-G-C.
Other names: c.38C>G, p.Thr13Ser (NM_001142571.2, NM_133629.3); short protein forms T13S.
Identifiers: ClinVar variation 944880 (VCV000944880.9), dbSNP rs1064795830, ClinGen allele CA399092482.